The following is an entry in ClinVar:

NM_001276270.2(MBD4):c.1602del (p.Lys533_Tyr534insTer)

Gene: MBD4 (methyl-CpG binding domain 4, DNA glycosylase; minus strand). Cytogenetic location: 3q21.3.
Variant type: Deletion.
Coding change: c.1602del on transcript NM_001276270.2 (MANE Select); coding-DNA position 1602, one base deleted (T; older notation c.1602delT).
Protein change: p.Lys533_Tyr534insTer.
Molecular consequence: nonsense. On other transcripts: intron variant (1).
Genome position (GRCh38, 1-based): chr3:129,432,548, A deleted on the plus strand (T on the coding strand, the reverse complement: MBD4 is on the minus strand). VCF-style (leftmost placement, unchanged base first): chr3-129432547-CA-C. GRCh37 (hg19) VCF-style: chr3-129151390-CA-C.
Other names: c.1602delT (NM_001276270.2); c.1620del, p.Lys539_Tyr540insTer (NM_001276271.2, NM_003925.3); c.666del, p.Lys221_Tyr222insTer (NM_001276273.2); c.1612+8del (NM_001276272.2).
Identifiers: ClinVar variation 3673786 (VCV003673786.4).

ClinVar aggregate classification (germline): Conflicting classifications of pathogenicity. Review status: criteria provided, conflicting classifications (1 of 4 stars). 3 submissions from 3 submitters: Pathogenic (2); Uncertain significance (1). Last evaluated 2026-03-03.

Conditions:
Tumor predisposition syndrome 2 (TPDS2). Also called: MBD4-ASSOCIATED NEOPLASIA SYNDROME; MBD4-Related Tumor Predisposition Syndrome; MBD4-associated neoplasia syndrome (MANS). Identifiers: Orphanet 661526, MedGen C5774186, MONDO:0859267, OMIM 619975.
Inborn genetic diseases. Identifiers: MedGen C0950123, MeSH D030342.

Submissions (3):

Myriad Genetics, Inc.
Classification: Pathogenic for Tumor predisposition syndrome 2. Last evaluated: 2026-03-03. Review status: criteria provided, single submitter. Criteria: Myriad Autosomal Dominant, Autosomal Recessive and X-Linked Classification Criteria (2023). Collection method: clinical testing. Allele origin: unknown.
Comment: This variant is considered pathogenic. This variant creates a termination codon and is predicted to result in premature protein truncation.

Ambry Genetics
Classification: Uncertain significance for Inborn genetic diseases. Last evaluated: 2025-07-01. Review status: criteria provided, single submitter. Criteria: Ambry Variant Classification Scheme 2023. Collection method: clinical testing. Allele origin: germline.
Comment: The c.1602delT variant, located in coding exon 7 of the MBD4 gene, results from a deletion of one nucleotide at nucleotide position 1602, causing a translational frameshift with a predicted alternate stop codon (p.Y534*). This alteration occurs at the 3' terminus of theMBD4 gene, is not expected to trigger nonsense-mediated mRNAdecay, and impacts the last 7.3% of the protein. The exact functional effect of this alteration is unknown. Based on the available evidence, the clinical significance of this variant remains unclear.

Labcorp Genetics (formerly Invitae), Labcorp
Classification: Pathogenic. Last evaluated: 2024-08-07. Review status: criteria provided, single submitter. Criteria: Invitae Variant Classification Sherloc (09022015). Collection method: clinical testing. Allele origin: germline.
Comment: This sequence change creates a premature translational stop signal (p.Tyr540*) in the MBD4 gene. It is expected to result in an absent or disrupted protein product. Loss-of-function variants in MBD4 are known to be pathogenic (PMID: 30049810, 35460607). This variant is present in population databases (no rsID available, gnomAD 0.003%). This variant has not been reported in the literature in individuals affected with MBD4-related conditions. Algorithms developed to predict the effect of sequence changes on RNA splicing suggest that this variant may disrupt the consensus splice site. For these reasons, this variant has been classified as Pathogenic.

Literature cited by the submitters: PubMed 30049810 (cited by Labcorp Genetics (formerly Invitae), Labcorp); PubMed 35460607 (cited by Labcorp Genetics (formerly Invitae), Labcorp).